The following is an entry in ClinVar:

NM_207122.2(EXT2):c.471_474del (p.Ile157fs)

Gene: EXT2 (exostosin glycosyltransferase 2; plus strand). Cytogenetic location: 11p11.2.
Variant type: Deletion.
Coding change: c.471_474del on transcript NM_207122.2 (MANE Select); coding-DNA positions 471 to 474, 4 bases deleted (CGAT; older notation c.471_474delCGAT).
Protein change: p.Ile157fs; shifts the reading frame from isoleucine 157.
Molecular consequence: frameshift variant.
Genome position (GRCh38, 1-based): chr11:44,108,183-44,108,186, CGAT deleted; deleting any 4 consecutive bases within chr11:44,108,181-44,108,186 gives the same sequence; the c. name uses the placement nearest the transcript's 3' end. VCF-style (leftmost placement, unchanged base first): chr11-44108180-CATCG-C. GRCh37 (hg19) VCF-style: chr11-44129730-CATCG-C.
Other names: c.570_573del, p.Ile190fs (NM_000401.3); c.471_474del, p.Ile157fs (NM_001178083.3, NM_001389628.1, NM_001389630.1); short protein forms I190fs, I157fs.
Identifiers: ClinVar variation 3649714 (VCV003649714.2).

ClinVar aggregate classification (germline): Pathogenic (1 of 4 stars; one submission).

Conditions:
Exostoses, multiple, type 2 (EXT2). Also called: Hereditary Multiple Osteochondromatosis, Type II; EXOSTOSES, MULTIPLE, TYPE II. Identifiers: Orphanet 321, MedGen C1851413, MONDO:0007586, OMIM 133701.

Submission:

Labcorp Genetics (formerly Invitae), Labcorp
Classification: Pathogenic for Exostoses, multiple, type 2. Last evaluated: 2024-05-31. Review status: criteria provided, single submitter. Criteria: Invitae Variant Classification Sherloc (09022015). Collection method: clinical testing. Allele origin: germline.
Comment: This sequence change creates a premature translational stop signal (p.Ile157Metfs*112) in the EXT2 gene. It is expected to result in an absent or disrupted protein product. Loss-of-function variants in EXT2 are known to be pathogenic (PMID: 10679937, 19810120). This variant is not present in population databases (gnomAD no frequency). This variant has not been reported in the literature in individuals affected with EXT2-related conditions. Algorithms developed to predict the effect of sequence changes on RNA splicing suggest that this variant may disrupt the consensus splice site. For these reasons, this variant has been classified as Pathogenic.

Literature cited by the submitters: PubMed 10679937; PubMed 19810120.